The following is an entry in ClinVar:

ClinVar aggregate classification (germline): Uncertain significance. Review status: criteria provided, multiple submitters, no conflicts (2 of 4 stars). 4 submissions from 4 submitters: Uncertain significance (4). Last evaluated 2025-12-17.

Conditions:
Dent disease type 1 (DENT1). Also called: NEPHROLITHIASIS 2; NEPHROLITHIASIS, HYPERCALCIURIC, X-LINKED. Identifiers: Orphanet 1652, Orphanet 93622, MedGen C1848336, MONDO:0010225, OMIM 300009.
Hypophosphatemic rickets, X-linked recessive (XLHRR). Identifiers: Orphanet 1652, Orphanet 93622, MedGen C1845168, MONDO:0010358, OMIM 300554.
X-linked recessive nephrolithiasis with renal failure (XRN). Also called: NEPHROLITHIASIS 1; NEPHROLITHIASIS, X-LINKED RECESSIVE, TYPE 1; UROLITHIASIS, X-LINKED RECESSIVE, TYPE 1. Identifiers: Orphanet 1652, Orphanet 93622, MedGen C0403720, MONDO:0010687, OMIM 310468.
Proteinuria, low molecular weight, with hypercalciuria and nephrocalcinosis. Identifiers: Orphanet 1652, Orphanet 93622, MedGen C1839874, MONDO:0010644, OMIM 308990.
Inborn genetic diseases. Identifiers: MedGen C0950123, MeSH D030342.

Allele frequency attached by ClinVar (database versions not stated): gnomAD exomes 0.00003; gnomAD 0.00005; TOPMed 0.00010.
gnomAD v4.1: 36 of 1,202,519 alleles (0.003%); highest among the groups gnomAD compares: Admixed American, 0.02%; no homozygotes.

Submissions (4):

Labcorp Genetics (formerly Invitae), Labcorp
Classification: Uncertain significance. Last evaluated: 2025-12-17. Review status: criteria provided, single submitter. Criteria: Invitae Variant Classification Sherloc (09022015). Collection method: clinical testing. Allele origin: germline.
Comment: This sequence change replaces lysine, which is basic and polar, with arginine, which is basic and polar, at codon 41 of the CLCN5 protein (p.Lys41Arg). This variant is present in population databases (no rsID available, gnomAD 0.02%). This variant has not been reported in the literature in individuals affected with CLCN5-related conditions. ClinVar contains an entry for this variant (Variation ID: 1907067). Invitae Evidence Modeling of protein sequence and biophysical properties (such as structural, functional, and spatial information, amino acid conservation, physicochemical variation, residue mobility, and thermodynamic stability) indicates that this missense variant is not expected to disrupt CLCN5 protein function with a negative predictive value of 80%. In summary, the available evidence is currently insufficient to determine the role of this variant in disease. Therefore, it has been classified as a Variant of Uncertain Significance.

Women's Health and Genetics/Laboratory Corporation of America, LabCorp
Classification: Uncertain significance. Last evaluated: 2025-05-23. Review status: criteria provided, single submitter. Criteria: LabCorp Variant Classification Summary - May 2015. Collection method: clinical testing. Allele origin: germline.
Comment: Variant summary: CLCN5 c.122A>G (p.Lys41Arg) results in a conservative amino acid change in the encoded protein sequence. Algorithms developed to predict the effect of missense changes on protein structure and function are either unavailable or do not agree on the potential impact of this missense change. The variant allele was found at a frequency of 3.3e-05 in 183399 control chromosomes. The available data on variant occurrences in the general population are insufficient to allow any conclusion about variant significance. To our knowledge, no occurrence of c.122A>G in individuals affected with Dent Disease and no experimental evidence demonstrating its impact on protein function have been reported. ClinVar contains an entry for this variant (Variation ID: 1907067). Based on the evidence outlined above, the variant was classified as uncertain significance.

Fulgent Genetics
Classification: Uncertain significance for Dent disease type 1; Hypophosphatemic rickets, X-linked recessive; Proteinuria, low molecular weight, with hypercalciuria and nephrocalcinosis; X-linked recessive nephrolithiasis with renal failure. Last evaluated: 2024-05-16. Review status: criteria provided, single submitter. Criteria: ACMG Guidelines, 2015. Collection method: clinical testing. Allele origin: germline.

Ambry Genetics
Classification: Uncertain significance for Inborn genetic diseases. Last evaluated: 2024-01-17. Review status: criteria provided, single submitter. Criteria: Ambry Variant Classification Scheme 2023. Collection method: clinical testing. Allele origin: germline.

NM_001127898.4(CLCN5):c.332A>G (p.Lys111Arg)

Gene: CLCN5 (Cl-/H+ antiporter 5; plus strand). Cytogenetic location: Xp11.23.
Variant type: single nucleotide variant.
Coding change: c.332A>G on transcript NM_001127898.4 (MANE Select); coding-DNA position 332, A replaced by G.
Protein change: p.Lys111Arg; replaces lysine 111 with arginine.
Molecular consequence: missense variant.
Genome position (GRCh38, 1-based): chrX:50,072,505, A>G. VCF-style: chrX-50072505-A-G. GRCh37 (hg19) VCF-style: chrX-49837160-A-G.
Other names: c.122A>G (NM_000084.2); c.122A>G, p.Lys41Arg (NM_000084.5); c.332A>G, p.Lys111Arg (NM_001127899.4); c.182A>G, p.Lys61Arg (NM_001282163.2); short protein forms K111R, K61R, K41R.
Identifiers: ClinVar variation 1907067 (VCV001907067.8), dbSNP rs1283938282, ClinGen allele CA413182240.